The following is an entry in ClinVar:

NM_001276345.2(TNNT2):c.268C>T (p.Pro90Ser)

Gene: TNNT2 (troponin T2, cardiac type; minus strand). Cytogenetic location: 1q32.1.
Variant type: single nucleotide variant.
Coding change: c.268C>T on transcript NM_001276345.2 (MANE Select); coding-DNA position 268, C replaced by T.
Protein change: p.Pro90Ser; replaces proline 90 with serine.
Molecular consequence: missense variant.
Genome position (GRCh38, 1-based): chr1:201,365,636, G>A on the plus strand (C>T on the coding strand, the complement: TNNT2 is on the minus strand). VCF-style: chr1-201365636-G-A. GRCh37 (hg19) VCF-style: chr1-201334764-G-A.
Other names: c.268C>T, p.Pro90Ser (NM_000364.4); c.238C>T, p.Pro80Ser (NM_001001430.3, NM_001001431.3, NM_001276347.2); c.223C>T, p.Pro75Ser (NM_001001432.3); c.265C>T, p.Pro89Ser (NM_001276346.2); short protein forms P80S, P90S, P89S, P75S.
Identifiers: ClinVar variation 43620 (VCV000043620.27), dbSNP rs397516451, ClinGen allele CA004170.

ClinVar aggregate classification (germline): Conflicting classifications of pathogenicity. Review status: criteria provided, conflicting classifications (1 of 4 stars). 6 submissions from 6 submitters: Likely pathogenic (1); Uncertain significance (5). Last evaluated 2025-12-31.

Conditions:
TNNT2-related disorder. Also called: TNNT2-related condition.
Cardiovascular phenotype. Identifiers: MedGen CN230736.
Cardiomyopathy (CMYO). Also called: Cardiomyopathies. Identifiers: Orphanet 167848, MedGen C0878544, MONDO:0004994, HP:0001638. Inheritance: Various modes of inheritance.
Hypertrophic cardiomyopathy 2. Also called: TNNT2-Related Familial Hypertrophic Cardiomyopathy. Identifiers: MedGen C1861864, MONDO:0007266, OMIM 115195.
Dilated cardiomyopathy 1D. Identifiers: Orphanet 154, Orphanet 54260, MedGen C1832243, MONDO:0011095, OMIM 601494.
Cardiomyopathy, familial restrictive, 3. Identifiers: Orphanet 75249, MedGen C2676271, MONDO:0012900, OMIM 612422.

Allele frequency attached by ClinVar (database versions not stated): TOPMed below 0.00001.

Submissions (6):

Labcorp Genetics (formerly Invitae), Labcorp
Classification: Uncertain significance for Cardiomyopathy, familial restrictive, 3; Hypertrophic cardiomyopathy 2; Dilated cardiomyopathy 1D. Last evaluated: 2025-12-31. Review status: criteria provided, single submitter. Criteria: Invitae Variant Classification Sherloc (09022015). Collection method: clinical testing. Allele origin: germline.
Comment: This sequence change replaces proline, which is neutral and non-polar, with serine, which is neutral and polar, at codon 80 of the TNNT2 protein (p.Pro80Ser). This variant is not present in population databases (gnomAD no frequency). This missense change has been observed in individual(s) with hypertrophic cardiomyopathy (PMID: 22112859, 27532257, 37652022; internal data). This variant is also known as p.P90S. ClinVar contains an entry for this variant (Variation ID: 43620). Invitae Evidence Modeling of protein sequence and biophysical properties (such as structural, functional, and spatial information, amino acid conservation, physicochemical variation, residue mobility, and thermodynamic stability) indicates that this missense variant is not expected to disrupt TNNT2 protein function with a negative predictive value of 80%. Experimental studies have shown that this missense change does not substantially affect TNNT2 function (PMID: 28973951). In summary, the available evidence is currently insufficient to determine the role of this variant in disease. Therefore, it has been classified as a Variant of Uncertain Significance.

Color Diagnostics, LLC DBA Color Health
Classification: Uncertain significance for Cardiomyopathy. Last evaluated: 2025-09-04. Review status: criteria provided, single submitter. Criteria: ACMG Guidelines, 2015. Collection method: clinical testing. Allele origin: germline.
Comment: This missense variant replaces proline with serine at codon 80 of the TNNT2 protein. Computational prediction suggests that this variant may have deleterious impact on protein structure and function. A functional study has shown that this variant does not change the affinity of troponin T for tropomyosin (PMID: 28973951). The proband's mother was an affected heterozygous carrier of this variant. This variant has also been reported in another unrelated individual affected with hypertrophic cardiomyopathy (PMID: 27532257). This variant has not been identified in the general population by the Genome Aggregation Database (gnomAD). The available evidence is insufficient to determine the role of this variant in disease conclusively. Therefore, this variant is classified as a Variant of Uncertain Significance.

Ambry Genetics
Classification: Uncertain significance for Cardiovascular phenotype. Last evaluated: 2025-01-14. Review status: criteria provided, single submitter. Criteria: Ambry Variant Classification Scheme 2023. Collection method: clinical testing. Allele origin: germline.

GeneDx
Classification: Uncertain significance. Last evaluated: 2023-02-02. Review status: criteria provided, single submitter. Criteria: GeneDx Variant Classification Process June 2021. Collection method: clinical testing. Allele origin: germline. Affected: yes.
Comment: Reported in association with hypertrophic cardiomyopathy (Otsuka et al., 2012; Walsh et al., 2017); however, specific clinical information was not provided; Not observed at significant frequency in large population cohorts (gnomAD); In silico analysis supports that this missense variant has a deleterious effect on protein structure/function; This variant is associated with the following publications: (PMID: 22112859, 27532257, 29907873)

Blueprint Genetics
Classification: Likely pathogenic for TNNT2-related disorders. Last evaluated: 2018-01-23. Review status: criteria provided, single submitter. Criteria: ACMG Guidelines, 2015. Collection method: clinical testing. Allele origin: germline. Affected: yes. Observed: 1 variant allele.

Laboratory for Molecular Medicine, Mass General Brigham Personalized Medicine
Classification: Uncertain significance. Last evaluated: 2010-11-30. Review status: criteria provided, single submitter. Criteria: LMM Criteria. Collection method: clinical testing. Allele origin: germline. Observed: 1 variant allele.
Comment: Variant classified as Uncertain Significance - Favor Pathogenic. The Pro80Ser va riant has not been reported in the literature. Proline (Pro) at position 80 is highly conserved across several evolutionarily distant species. In addition, th is variant was predicted to be pathogenic using a novel computational tool (a cu stomized sarcomere-specific PolyPhen tool, which was validated using a set of ca rdiomyopathy variants with well-established clinical significance). This tool's pathogenic prediction is estimated to be correct 94% of the time, which suggests but does not prove that this variant is pathogenic. However, in the absence of additional supporting data, the clinical significance of this variant cannot be determined at this time.

Literature cited by the submitters: PubMed 22112859 (cited by Labcorp Genetics (formerly Invitae), Labcorp and Color Diagnostics, LLC DBA Color Health); PubMed 27532257 (cited by Labcorp Genetics (formerly Invitae), Labcorp and Color Diagnostics, LLC DBA Color Health); PubMed 37652022 (cited by Labcorp Genetics (formerly Invitae), Labcorp); PubMed 28973951 (cited by Labcorp Genetics (formerly Invitae), Labcorp and Color Diagnostics, LLC DBA Color Health).